The following is an entry in ClinVar:

ClinVar aggregate classification (germline): Uncertain significance (1 of 4 stars; one submission).

Allele frequency attached by ClinVar (database versions not stated): ExAC 0.00001; gnomAD exomes 0.00002; gnomAD 0.00003; TOPMed 0.00003; 1000 Genomes Project 30x 0.00016; 1000 Genomes Project 0.00020.
gnomAD v4.1: 28 of 1,613,308 alleles (0.0017%); highest among the groups gnomAD compares: South Asian, 0.0088%; no homozygotes.

Submission:

Labcorp Genetics (formerly Invitae), Labcorp
Classification: Uncertain significance. Last evaluated: 2022-06-27. Review status: criteria provided, single submitter. Criteria: Invitae Variant Classification Sherloc (09022015). Collection method: clinical testing. Allele origin: germline.
Comment: This sequence change replaces arginine, which is basic and polar, with histidine, which is basic and polar, at codon 412 of the GFM2 protein (p.Arg412His). This variant is present in population databases (rs571673017, gnomAD 0.007%). This variant has not been reported in the literature in individuals affected with GFM2-related conditions. Algorithms developed to predict the effect of missense changes on protein structure and function are either unavailable or do not agree on the potential impact of this missense change (SIFT: "Deleterious"; PolyPhen-2: "Probably Damaging"; Align-GVGD: "Class C0"). In summary, the available evidence is currently insufficient to determine the role of this variant in disease. Therefore, it has been classified as a Variant of Uncertain Significance.

NM_032380.5(GFM2):c.1235G>A (p.Arg412His)

Gene: GFM2 (GTP dependent ribosome recycling factor mitochondrial 2; minus strand). Cytogenetic location: 5q13.3.
Variant type: single nucleotide variant.
Coding change: c.1235G>A on transcript NM_032380.5 (MANE Select); coding-DNA position 1235, G replaced by A.
Protein change: p.Arg412His; replaces arginine 412 with histidine.
Molecular consequence: missense variant. On other transcripts: non-coding transcript variant (1).
Genome position (GRCh38, 1-based): chr5:74,738,403, C>T on the plus strand (G>A on the coding strand, the complement: GFM2 is on the minus strand). VCF-style: chr5-74738403-C-T. GRCh37 (hg19) VCF-style: chr5-74034228-C-T.
Other names: c.1331G>A, p.Arg444His (NM_001281302.2); c.1235G>A, p.Arg412His (NM_170681.3); c.1094G>A, p.Arg365His (NM_170691.3); short protein forms R365H, R412H, R444H.
Identifiers: ClinVar variation 2418010 (VCV002418010.3), dbSNP rs571673017, ClinGen allele CA3306578.